The following is an entry in ClinVar:

NM_000451.4(SHOX):c.*2C>T

Gene: SHOX (SHOX homeobox; plus strand). Cytogenetic location: Yp11.2.
Variant type: single nucleotide variant.
Coding change: c.*2C>T on transcript NM_000451.4 (MANE Select); 2 bases downstream of the stop codon, C replaced by T.
Molecular consequence: 3 prime UTR variant. On other transcripts: intron variant (1).
Genome position (GRCh38, 1-based): chrX:644,638, C>T. VCF-style: chrX-644638-C-T. GRCh37 (hg19) VCF-style: chrX-605373-C-T.
Other names: c.633+3551C>T (NM_006883.2).
Identifiers: ClinVar variation 4525893 (VCV004525893.1).

ClinVar aggregate classification (germline): Uncertain significance (1 of 4 stars; one submission).

Submission:

Women's Health and Genetics/Laboratory Corporation of America, LabCorp
Classification: Uncertain significance. Last evaluated: 2025-07-15. Review status: criteria provided, single submitter. Criteria: LabCorp Variant Classification Summary - May 2015. Collection method: clinical testing. Allele origin: germline.
Comment: Variant summary: SHOX c.*2C>T is located in the untranslated mRNA region downstream of the termination codon. The variant allele was found at a frequency of 1.3e-05 in 76312 control chromosomes. The available data on variant occurrences in the general population are insufficient to allow any conclusion about variant significance. To our knowledge, no occurrence of c.*2C>T in individuals affected with Langer Mesomelic Dysplasia and no experimental evidence demonstrating its impact on protein function have been reported. No submitters have cited clinical-significance assessments for this variant to ClinVar. Based on the evidence outlined above, the variant was classified as uncertain significance.